The following is an entry in ClinVar:

NM_003073.5(SMARCB1):c.1119-41G>A

Gene: SMARCB1 (SWI/SNF related BAF chromatin remodeling complex subunit B1; plus strand). Cytogenetic location: 22q11.23.
Variant type: single nucleotide variant.
Coding change: c.1119-41G>A on transcript NM_003073.5 (MANE Select); 41 bases into the intron before coding-DNA position 1119, G replaced by A.
Molecular consequence: intron variant.
Genome position (GRCh38, 1-based): chr22:23,834,100, G>A. VCF-style: chr22-23834100-G-A. GRCh37 (hg19) VCF-style: chr22-24176287-G-A.
Other names: c.1173-41G>A (NM_001362877.2); c.1146-41G>A (NM_001317946.2); c.1092-41G>A (NM_001007468.3).
Identifiers: ClinVar variation 677115 (VCV000677115.2), dbSNP rs5030613, ClinGen allele CA10146118.

ClinVar aggregate classification (germline): Benign. Review status: criteria provided, multiple submitters, no conflicts (2 of 4 stars). 2 submissions from 2 submitters: Benign (2). Last evaluated 2018-06-18.

Allele frequency attached by ClinVar (database versions not stated): TOPMed 0.12708; ESP Exome Variant Server 0.12725; gnomAD 0.12892 and 0.13198; gnomAD exomes 0.13786 and 0.14477; 1000 Genomes Project 30x 0.14866; 1000 Genomes Project 0.15176; ExAC 0.20328.
gnomAD v4.1: 214,572 of 1,559,142 alleles (14%); highest among the groups gnomAD compares: South Asian, 27%; 16,141 homozygotes.

Submissions (2):

GeneDx
Classification: Benign. Last evaluated: 2018-06-18. Review status: criteria provided, single submitter. Criteria: GeneDx Variant Classification (06012015). Collection method: clinical testing. Allele origin: germline. Affected: yes.
Comment: This variant is considered likely benign or benign based on one or more of the following criteria: it is a conservative change, it occurs at a poorly conserved position in the protein, it is predicted to be benign by multiple in silico algorithms, and/or has population frequency not consistent with disease.

Breakthrough Genomics
Classification: Benign. Review status: criteria provided, single submitter. Criteria: ACMG Guidelines, 2015. Collection method: not provided. Allele origin: germline. Inheritance: Autosomal dominant inheritance. Affected: yes.